The following is an entry in ClinVar:

ClinVar aggregate classification (germline): Benign. Review status: criteria provided, multiple submitters, no conflicts (2 of 4 stars). 9 submissions from 8 submitters: Benign (9). Last evaluated 2026-02-04.

Conditions:
Autosomal recessive nonsyndromic hearing loss 31. Also called: WHIRLER, MOUSE, HOMOLOG OF. Identifiers: Orphanet 90636, MedGen C1846839, MONDO:0011767, OMIM 607084.
Usher syndrome type 2D. Also called: USHER SYNDROME, TYPE IID. Identifiers: Orphanet 231178, Orphanet 886, MedGen C1568249, MONDO:0012662, OMIM 611383.

Allele frequency attached by ClinVar (database versions not stated): 1000 Genomes Project 30x 0.40162; gnomAD 0.40624 and 0.41305; ESP Exome Variant Server 0.41073; ExAC 0.47856; gnomAD exomes 0.48125 and 0.49036; TOPMed 0.40634; 1000 Genomes Project 0.40635.
gnomAD v4.1: 777,368 of 1,610,410 alleles (48%); highest among the groups gnomAD compares: Middle Eastern, 54%; 191,166 homozygotes.

Submissions (9):

Labcorp Genetics (formerly Invitae), Labcorp
Classification: Benign. Last evaluated: 2026-02-04. Review status: criteria provided, single submitter. Criteria: Invitae Variant Classification Sherloc (09022015). Collection method: clinical testing. Allele origin: germline.

Genome-Nilou Lab
Classification: Benign for Autosomal recessive nonsyndromic hearing loss 31. Last evaluated: 2021-07-30. Review status: criteria provided, single submitter. Criteria: ACMG Guidelines, 2015. Collection method: clinical testing. Allele origin: germline. Affected: no.

Mayo Clinic Laboratories, Mayo Clinic
Classification: Benign. Last evaluated: 2020-10-20. Review status: criteria provided, single submitter. Criteria: ACMG Guidelines, 2015. Collection method: clinical testing. Allele origin: germline. Observed: 112 variant alleles.

Illumina Laboratory Services, Illumina
Classification: Benign for Autosomal recessive nonsyndromic hearing loss 31. Last evaluated: 2018-01-12. Review status: criteria provided, single submitter. Criteria: ICSL Variant Classification Criteria 13 December 2019. Collection method: clinical testing. Allele origin: germline.
Comment: This variant was observed in the ICSL laboratory as part of a predisposition screen in an ostensibly healthy population. It had not been previously curated by ICSL or reported in the Human Gene Mutation Database (HGMD: prior to June 1st, 2018), and was therefore a candidate for classification through an automated scoring system. Utilizing variant allele frequency, disease prevalence and penetrance estimates, and inheritance mode, an automated score was calculated to assess if this variant is too frequent to cause the disease. Based on the score and internal cut-off values, a variant classified as benign is not then subjected to further curation. The score for this variant resulted in a classification of benign for this disease.

Illumina Laboratory Services, Illumina
Classification: Benign for Usher syndrome type 2D. Last evaluated: 2018-01-12. Review status: criteria provided, single submitter. Criteria: ICSL Variant Classification Criteria 13 December 2019. Collection method: clinical testing. Allele origin: germline.
Comment: the same text as in the submission from Illumina Laboratory Services, Illumina above.

GeneDx
Classification: Benign. Last evaluated: 2015-03-03. Review status: criteria provided, single submitter. Criteria: GeneDx Variant Classification Process June 2021. Collection method: clinical testing. Allele origin: germline. Affected: yes.
Comment: This variant is associated with the following publications: (PMID: 29083408)

Laboratory for Molecular Medicine, Mass General Brigham Personalized Medicine
Classification: Benign. Last evaluated: 2009-06-19. Review status: criteria provided, single submitter. Criteria: LMM Criteria. Collection method: clinical testing. Allele origin: germline. Observed: 1,528 variant alleles.

Breakthrough Genomics
Classification: Benign. Review status: criteria provided, single submitter. Criteria: ACMG Guidelines, 2015. Collection method: not provided. Allele origin: germline. Inheritance: Autosomal recessive inheritance. Affected: yes.

PreventionGenetics, part of Exact Sciences
Classification: Benign. Review status: criteria provided, single submitter. Criteria: ACMG Guidelines, 2015. Collection method: clinical testing. Allele origin: germline.

Literature cited by the submitters: PubMed 15841483 (cited by Laboratory for Molecular Medicine, Mass General Brigham Personalized Medicine).

NM_015404.4(WHRN):c.2348T>C (p.Val783Ala)

Gene: WHRN (whirlin; minus strand). Cytogenetic location: 9q32.
Variant type: single nucleotide variant.
Coding change: c.2348T>C on transcript NM_015404.4 (MANE Select); coding-DNA position 2348, T replaced by C.
Protein change: p.Val783Ala; replaces valine 783 with alanine.
Molecular consequence: missense variant.
Genome position (GRCh38, 1-based): chr9:114,403,966, A>G on the plus strand (T>C on the coding strand, the complement: WHRN is on the minus strand). VCF-style: chr9-114403966-A-G. GRCh37 (hg19) VCF-style: chr9-117166246-A-G.
Other names: c.1199T>C, p.Val400Ala (NM_001083885.3); c.2345T>C, p.Val782Ala (NM_001173425.2); c.1295T>C, p.Val432Ala (NM_001346890.1); short protein forms V783A, V400A, V432A, V782A.
Identifiers: ClinVar variation 45672 (VCV000045672.26), dbSNP rs2274159, ClinGen allele CA136912.